The following is an entry in ClinVar:

ClinVar aggregate classification (germline): Uncertain significance. Review status: criteria provided, multiple submitters, no conflicts (2 of 4 stars). 2 submissions from 2 submitters: Uncertain significance (2). Last evaluated 2023-05-16.

Conditions:
Familial thoracic aortic aneurysm and aortic dissection (TAAD). Also called: Thoracic aortic aneurysms and dissections. Identifiers: Orphanet 91387, MedGen C4707243, MONDO:0019625.

Allele frequency attached by ClinVar (database versions not stated): gnomAD exomes 0.00001.
gnomAD v4.1: 3 of 1,613,954 alleles (0.00019%); highest among the groups gnomAD compares: Non-Finnish European, 0.00025%; no homozygotes.

Submissions (2):

All of Us Research Program, National Institutes of Health
Classification: Uncertain significance for Familial thoracic aortic aneurysm and aortic dissection. Last evaluated: 2023-05-16. Review status: criteria provided, single submitter. Criteria: ACMG Guidelines, 2015. Collection method: clinical testing. Allele origin: germline. Inheritance: Autosomal dominant inheritance. Observed: 1 variant allele, 1 heterozygote.
Comment: This missense variant replaces tyrosine with serine at codon 190 of the ACTA2 protein. Computational prediction suggests that this variant may have deleterious impact on protein structure and function (internally defined REVEL score threshold >= 0.7, PMID: 27666373). To our knowledge, functional studies have not been reported for this variant. This variant has not been reported in individuals affected with cardiovascular disorders in the literature. This variant has not been identified in the general population by the Genome Aggregation Database (gnomAD). The available evidence is insufficient to determine the role of this variant in disease conclusively. Therefore, this variant is classified as a Variant of Uncertain Significance.

This study involves interpretation of variants in research participants for the purpose of population health screening. Participant phenotype was not available at the time of variant classification. Additional details can be found in publication PMID: 35346344, PMCID: PMC8962531

ARUP Laboratories, Molecular Genetics and Genomics, ARUP Laboratories
Classification: Uncertain significance. Last evaluated: 2017-11-27. Review status: criteria provided, single submitter. Criteria: ARUP Molecular Germline Variant Investigation Process. Collection method: clinical testing. Allele origin: germline.

NM_001613.4(ACTA2):c.569A>C (p.Tyr190Ser)

Gene: ACTA2 (actin alpha 2, smooth muscle; minus strand). Cytogenetic location: 10q23.31.
Variant type: single nucleotide variant.
Coding change: c.569A>C on transcript NM_001613.4 (MANE Select); coding-DNA position 569, A replaced by C.
Protein change: p.Tyr190Ser; replaces tyrosine 190 with serine.
Molecular consequence: missense variant.
Genome position (GRCh38, 1-based): chr10:88,941,276, T>G on the plus strand (A>C on the coding strand, the complement: ACTA2 is on the minus strand). VCF-style: chr10-88941276-T-G. GRCh37 (hg19) VCF-style: chr10-90701033-T-G.
Other names: c.569A>C, p.Tyr190Ser (NM_001141945.3, NM_001320855.2, NM_001406462.1 and 3 more transcripts); c.458A>C, p.Tyr153Ser (NM_001406466.1); c.440A>C, p.Tyr147Ser (NM_001406467.1, NM_001406468.1, NM_001406469.1); short protein forms Y190S, Y147S, Y153S.
Identifiers: ClinVar variation 618509 (VCV000618509.10), dbSNP rs1564644429, ClinGen allele CA377512033.